The following is an entry in ClinVar:

ClinVar aggregate classification (germline): Uncertain significance (1 of 4 stars; one submission).

Conditions:
Neuropathy, hereditary sensory and autonomic, type 2A (HSAN2A). Also called: ACROOSTEOLYSIS, GIACCAI TYPE; ACROOSTEOLYSIS, NEUROGENIC; MORVAN DISEASE; NEUROPATHY, CONGENITAL SENSORY; NEUROPATHY, HEREDITARY SENSORY RADICULAR, AUTOSOMAL RECESSIVE; NEUROPATHY, HEREDITARY SENSORY, TYPE IIA. Identifiers: Orphanet 970, MedGen C2752089, MONDO:0024309, OMIM 201300.
Generalized epilepsy with febrile seizures plus, type 7 (GEFSP7). Also called: GEFS+, TYPE 7. Identifiers: Orphanet 36387, MedGen C2751778, MONDO:0013470, OMIM 613863.

Allele frequency attached by ClinVar (database versions not stated): gnomAD 0.00001.

Submission:

Labcorp Genetics (formerly Invitae), Labcorp
Classification: Uncertain significance for Neuropathy, hereditary sensory and autonomic, type 2A; Generalized epilepsy with febrile seizures plus, type 7. Last evaluated: 2025-08-14. Review status: criteria provided, single submitter. Criteria: Invitae Variant Classification Sherloc (09022015). Collection method: clinical testing. Allele origin: germline.
Comment: This sequence change replaces methionine, which is neutral and non-polar, with leucine, which is neutral and non-polar, at codon 1363 of the SCN9A protein (p.Met1363Leu). This variant is not present in population databases (gnomAD no frequency). This variant has not been reported in the literature in individuals affected with SCN9A-related conditions. ClinVar contains an entry for this variant (Variation ID: 2947660). Invitae Evidence Modeling of protein sequence and biophysical properties (such as structural, functional, and spatial information, amino acid conservation, physicochemical variation, residue mobility, and thermodynamic stability) has been performed for this missense variant. However, the output from this modeling did not meet the statistical confidence thresholds required to predict the impact of this variant on SCN9A protein function. In summary, the available evidence is currently insufficient to determine the role of this variant in disease. Therefore, it has been classified as a Variant of Uncertain Significance.

NM_001365536.1(SCN9A):c.4120A>T (p.Met1374Leu)

Genes: SCN1A-AS1 (SCN1A and SCN9A antisense RNA 1; plus strand), SCN9A (sodium voltage-gated channel alpha subunit 9; minus strand). Cytogenetic location: 2q24.3.
Variant type: single nucleotide variant.
Coding change: c.4120A>T on transcript NM_001365536.1 (MANE Select); coding-DNA position 4120, A replaced by T.
Protein change: p.Met1374Leu; replaces methionine 1374 with leucine.
Molecular consequence: missense variant.
Genome position (GRCh38, 1-based): chr2:166,228,777, T>A on the plus strand (A>T on the coding strand, the complement: SCN9A is on the minus strand). VCF-style: chr2-166228777-T-A. GRCh37 (hg19) VCF-style: chr2-167085287-T-A.
Other names: c.4087A>T, p.Met1363Leu (NM_002977.4); short protein forms M1363L, M1374L.
Identifiers: ClinVar variation 2947660 (VCV002947660.3), dbSNP rs888969159, ClinGen allele CA59810264.